The following is an entry in ClinVar:

ClinVar aggregate classification (germline): Pathogenic (1 of 4 stars; one submission).

Conditions:
Walker-Warburg congenital muscular dystrophy. Also called: Muscular dystrophy-dystroglycanopathy, type A; Walker-Warburg syndrome. Identifiers: Orphanet 899, MedGen C0265221, MONDO:0000171.
Autosomal recessive limb-girdle muscular dystrophy type 2K. Also called: MUSCULAR DYSTROPHY, LIMB-GIRDLE, TYPE 2K; MUSCULAR DYSTROPHY-DYSTROGLYCANOPATHY (LIMB-GIRDLE), TYPE C, 1. Identifiers: Orphanet 86812, MedGen C1836373, MONDO:0012248, OMIM 609308.
Muscular dystrophy-dystroglycanopathy (congenital with impaired intellectual development), type B, 1. Also called: MUSCULAR DYSTROPHY, CONGENITAL, POMT1-RELATED; Muscular dystrophy-dystroglycanopathy (congenital with intellectual disability), type B1. Identifiers: MedGen C5436962, MONDO:0013159, OMIM 613155.

Submission:

Labcorp Genetics (formerly Invitae), Labcorp
Classification: Pathogenic for Muscular dystrophy-dystroglycanopathy (congenital with impaired intellectual development), type B, 1; Walker-Warburg congenital muscular dystrophy; Autosomal recessive limb-girdle muscular dystrophy type 2K. Last evaluated: 2021-10-20. Review status: criteria provided, single submitter. Criteria: Invitae Variant Classification Sherloc (09022015). Collection method: clinical testing. Allele origin: germline.
Comment: This sequence change creates a premature translational stop signal (p.Gly309Serfs*17) in the POMT1 gene. It is expected to result in an absent or disrupted protein product. Loss-of-function variants in POMT1 are known to be pathogenic (PMID: 12369018, 15637732, 16575835). This variant is not present in population databases (ExAC no frequency). For these reasons, this variant has been classified as Pathogenic. This variant has not been reported in the literature in individuals affected with POMT1-related conditions.

Literature cited by the submitters: PubMed 12369018; PubMed 15637732; PubMed 16575835.

NM_001077365.2(POMT1):c.859_871del (p.Gly287fs)

Gene: POMT1 (protein O-mannosyltransferase 1; plus strand). Cytogenetic location: 9q34.13.
Variant type: Deletion.
Coding change: c.859_871del on transcript NM_001077365.2 (MANE Select); coding-DNA positions 859 to 871, 13 bases deleted (GGACTAGCTCGGA).
Protein change: p.Gly287fs; shifts the reading frame from glycine 287.
Molecular consequence: frameshift variant. On other transcripts: non-coding transcript variant (10).
Genome position (GRCh38, 1-based): chr9:131,511,340-131,511,352, GGACTAGCTCGGA deleted; deleting any 13 consecutive bases within chr9:131,511,337-131,511,352 gives the same sequence; the c. name uses the placement nearest the transcript's 3' end. VCF-style (leftmost placement, unchanged base first): chr9-131511336-GGGAGGACTAGCTC-G. GRCh37 (hg19) VCF-style: chr9-134386723-GGGAGGACTAGCTC-G.
Other names: c.697_709del, p.Gly233fs (NM_001077366.2, NM_001353194.2, NM_001374693.1); c.859_871del, p.Gly287fs (NM_001136113.2, NM_001374690.1); c.508_520del, p.Gly170fs (NM_001136114.2, NM_001353195.2, NM_001374691.1 and 1 more transcripts); c.925_937del, p.Gly309fs (NM_001353193.2, NM_007171.4); c.769_781del, p.Gly257fs (NM_001353196.2); c.763_775del, p.Gly255fs (NM_001353197.2, NM_001353198.2); c.574_586del, p.Gly192fs (NM_001353199.2); c.403_415del, p.Gly135fs (NM_001353200.2); and 2 more; short protein forms G233fs, G309fs, G192fs, R281fs, G135fs, G257fs, G287fs, G157fs.
Identifiers: ClinVar variation 1359283 (VCV001359283.6), dbSNP rs2131672013, ClinGen allele CA2573144011.